The following is an entry in ClinVar:

NM_021922.3(FANCE):c.1383+3G>A

Gene: FANCE (FA complementation group E; plus strand). Cytogenetic location: 6p21.31.
Variant type: single nucleotide variant.
Coding change: c.1383+3G>A on transcript NM_021922.3 (MANE Select); 3 bases into the intron after coding-DNA position 1383, G replaced by A.
Molecular consequence: intron variant.
Genome position (GRCh38, 1-based): chr6:35,460,621, G>A. VCF-style: chr6-35460621-G-A. GRCh37 (hg19) VCF-style: chr6-35428398-G-A.
Identifiers: ClinVar variation 1027271 (VCV001027271.7), dbSNP rs752468400, ClinGen allele CA3771691.
Genomic context (GRCh38, chr6:35,460,621, plus strand): 5'-GGAGCTGCCCTGGAAGGAGGAAACTTTCTTGGTGTTGCAGTCACTCCTAGAGCGGCAGGT[G>A]AGCAGGCTGCCCTGGGGAAGAGTGGACAAAGAAGTGCTGCAGTCCTTGGAAGCACACGGG-3'

ClinVar aggregate classification (germline): Uncertain significance. Review status: criteria provided, multiple submitters, no conflicts (2 of 4 stars). 2 submissions from 2 submitters: Uncertain significance (2). Last evaluated 2025-02-24.

Conditions:
Fanconi anemia complementation group E (FANCE). Also called: FANCE-Related Fanconi Anemia. Identifiers: Orphanet 84, MedGen C3160739, MONDO:0010953, OMIM 600901.

Allele frequency attached by ClinVar (database versions not stated): gnomAD exomes 0.00001 and 0.00002; ExAC 0.00002; TOPMed 0.00002.
gnomAD v4.1: 3 of 1,613,322 alleles (0.00019%); highest among the groups gnomAD compares: East Asian, 0.0067%; no homozygotes.

Submissions (2):

Women's Health and Genetics/Laboratory Corporation of America, LabCorp
Classification: Uncertain significance. Last evaluated: 2025-02-24. Review status: criteria provided, single submitter. Criteria: LabCorp Variant Classification Summary - May 2015. Collection method: clinical testing. Allele origin: germline.

Labcorp Genetics (formerly Invitae), Labcorp
Classification: Uncertain significance for Fanconi anemia complementation group E. Last evaluated: 2024-04-05. Review status: criteria provided, single submitter. Criteria: Invitae Variant Classification Sherloc (09022015). Collection method: clinical testing. Allele origin: germline.
Comment: This sequence change falls in intron 8 of the FANCE gene. It does not directly change the encoded amino acid sequence of the FANCE protein. It affects a nucleotide within the consensus splice site. This variant is present in population databases (rs752468400, gnomAD 0.02%). This variant has not been reported in the literature in individuals affected with FANCE-related conditions. ClinVar contains an entry for this variant (Variation ID: 1027271). Variants that disrupt the consensus splice site are a relatively common cause of aberrant splicing (PMID: 17576681, 9536098). Algorithms developed to predict the effect of sequence changes on RNA splicing suggest that this variant is not likely to affect RNA splicing. In summary, the available evidence is currently insufficient to determine the role of this variant in disease. Therefore, it has been classified as a Variant of Uncertain Significance.

Literature cited by the submitters: PubMed 17576681 (cited by Labcorp Genetics (formerly Invitae), Labcorp); PubMed 9536098 (cited by Labcorp Genetics (formerly Invitae), Labcorp).